The following is an entry in ClinVar:

NM_001008537.3(NEXMIF):c.1675G>A (p.Gly559Ser)

Gene: NEXMIF (neurite extension and migration factor; minus strand). Cytogenetic location: Xq13.3.
Variant type: single nucleotide variant.
Coding change: c.1675G>A on transcript NM_001008537.3 (MANE Select); coding-DNA position 1675, G replaced by A.
Protein change: p.Gly559Ser; replaces glycine 559 with serine.
Molecular consequence: missense variant.
Genome position (GRCh38, 1-based): chrX:74,742,882, C>T on the plus strand (G>A on the coding strand, the complement: NEXMIF is on the minus strand). VCF-style: chrX-74742882-C-T. GRCh37 (hg19) VCF-style: chrX-73962717-C-T.
Other names: short protein forms G559S.
Identifiers: ClinVar variation 1326055 (VCV001326055.6), dbSNP rs1253434745, ClinGen allele CA413669955.
Genomic context (GRCh38, chrX:74,742,882, plus strand): 5'-CATATTTGTTGAGCTGATTCTCACTCAAATTCACTGTTGTCTCACTGGCATCCACCTTAC[C>T]CAACTTCACCAGCATGTTCTTCTCACCTTTAAAGCGATTAATGATGATATATTTGATAAT-3'
Protein context (NP_001008537.1, residues 549-569): KGEKNMLVKL[Gly559Ser]KVDASETTVN

ClinVar aggregate classification (germline): Uncertain significance. Review status: criteria provided, multiple submitters, no conflicts (2 of 4 stars). 3 submissions from 3 submitters: Uncertain significance (3). Last evaluated 2026-01-28.

Allele frequency attached by ClinVar (database versions not stated): gnomAD 0.00002; TOPMed 0.00002; gnomAD exomes below 0.00001.
gnomAD v4.1: 7 of 1,209,292 alleles (0.00058%); highest among the groups gnomAD compares: Non-Finnish European, 0.00067%; no homozygotes.

Submissions (3):

Labcorp Genetics (formerly Invitae), Labcorp
Classification: Uncertain significance. Last evaluated: 2026-01-28. Review status: criteria provided, single submitter. Criteria: Invitae Variant Classification Sherloc (09022015). Collection method: clinical testing. Allele origin: germline.
Comment: This sequence change replaces glycine, which is neutral and non-polar, with serine, which is neutral and polar, at codon 559 of the NEXMIF protein (p.Gly559Ser). This variant is not present in population databases (gnomAD no frequency). This variant has not been reported in the literature in individuals affected with NEXMIF-related conditions. ClinVar contains an entry for this variant (Variation ID: 1326055). An algorithm developed to predict the effect of missense changes on protein structure and function outputs the following: PolyPhen-2: "Benign". The serine amino acid residue is found in multiple mammalian species, which suggests that this missense change does not adversely affect protein function. In summary, the available evidence is currently insufficient to determine the role of this variant in disease. Therefore, it has been classified as a Variant of Uncertain Significance.

Greenwood Genetic Center Diagnostic Laboratories, Greenwood Genetic Center
Classification: Uncertain significance. Last evaluated: 2025-10-29. Review status: criteria provided, single submitter. Criteria: ACMG Guidelines, 2015. Collection method: clinical testing. Allele origin: germline. Affected: yes.
Comment: PM2, BP3

GeneDx
Classification: Uncertain significance. Last evaluated: 2021-11-16. Review status: criteria provided, single submitter. Criteria: GeneDx Variant Classification Process June 2021. Collection method: clinical testing. Allele origin: germline. Affected: yes.
Comment: In silico analysis supports that this missense variant has a deleterious effect on protein structure/function; Has not been previously published as pathogenic or benign to our knowledge